The following is an entry in ClinVar:

NM_022725.4(FANCF):c.*461G>T

Gene: FANCF (FA complementation group F; minus strand). Cytogenetic location: 11p14.3.
Variant type: single nucleotide variant.
Coding change: c.*461G>T on transcript NM_022725.4 (MANE Select); 461 bases downstream of the stop codon, G replaced by T.
Molecular consequence: 3 prime UTR variant.
Genome position (GRCh38, 1-based): chr11:22,624,225, C>A on the plus strand (G>T on the coding strand, the complement: FANCF is on the minus strand). VCF-style: chr11-22624225-C-A. GRCh37 (hg19) VCF-style: chr11-22645771-C-A.
Identifiers: ClinVar variation 879834 (VCV000879834.4), dbSNP rs45458698, ClinGen allele CA219086557.

ClinVar aggregate classification (germline): Benign (1 of 4 stars; one submission).

Conditions:
Fanconi anemia complementation group F. Also called: FANCF-Related Fanconi Anemia. Identifiers: Orphanet 84, MedGen C3469526, MONDO:0011325, OMIM 603467.

Allele frequency attached by ClinVar (database versions not stated): gnomAD exomes 0.00065; gnomAD 0.00337 and 0.00359; TOPMed 0.00368; 1000 Genomes Project 0.00579; 1000 Genomes Project 30x 0.00671.

Submission:

Illumina Laboratory Services, Illumina
Classification: Benign for Fanconi anemia complementation group F. Last evaluated: 2017-04-28. Review status: criteria provided, single submitter. Criteria: ICSL Variant Classification Criteria 13 December 2019. Collection method: clinical testing. Allele origin: germline.
Comment: This variant was observed as part of a predisposition screen in an ostensibly healthy population. A literature search was performed for the gene, cDNA change, and amino acid change (where applicable). No publications were found based on this search. Allele frequency data from public databases was too high to be consistent with this variant causing disease. Therefore, this variant is classified as benign.